The following is an entry in ClinVar:

NM_006096.4(NDRG1):c.455A>C (p.Asn152Thr)

Gene: NDRG1 (N-myc downstream regulated 1; minus strand). Cytogenetic location: 8q24.22.
Variant type: single nucleotide variant.
Coding change: c.455A>C on transcript NM_006096.4 (MANE Select); coding-DNA position 455, A replaced by C.
Protein change: p.Asn152Thr; replaces asparagine 152 with threonine.
Molecular consequence: missense variant.
Genome position (GRCh38, 1-based): chr8:133,256,859, T>G on the plus strand (A>C on the coding strand, the complement: NDRG1 is on the minus strand). VCF-style: chr8-133256859-T-G. GRCh37 (hg19) VCF-style: chr8-134269102-T-G.
Other names: c.455A>C, p.Asn152Thr (NM_001135242.2, NM_001374844.1, NM_001374845.1 and 1 more transcripts); c.257A>C, p.Asn86Thr (NM_001258432.2, NM_001374847.1); c.212A>C, p.Asn71Thr (NM_001258433.2); short protein forms N152T, N71T, N86T.
Identifiers: ClinVar variation 2078915 (VCV002078915.2), dbSNP rs771095469, ClinGen allele CA4886737.
Genomic context (GRCh38, chr8:133,256,859, plus strand): 5'-CAGCCTTCCGCACAAGGGTTCACGTTGATAAGGACAAGGCCCTCCACCATCTCAGGGTTG[T>G]TTAGCTGCAATTCAAGACACAAAGTGAGACAGACATCCCAGCAATCTGAAACACTAGGAA-3'
Protein context (NP_006087.2, residues 142-162): GAYILTRFAL[Asn152Thr]NPEMVEGLVL

ClinVar aggregate classification (germline): Uncertain significance. Review status: criteria provided, multiple submitters, no conflicts (2 of 4 stars). 2 submissions from 2 submitters: Uncertain significance (2). Last evaluated 2025-11-24.

Conditions:
Charcot-Marie-Tooth disease type 4. Also called: Charcot-Marie-Tooth, Type 4; Charcot-Marie-Tooth disease, type IV. Identifiers: Orphanet 64749, MedGen C4082197, MONDO:0018995.
NDRG1-related disorder. Also called: NDRG1-related condition.

Allele frequency attached by ClinVar (database versions not stated): gnomAD 0.00001; gnomAD exomes 0.00001; ExAC 0.00002; TOPMed 0.00002.
gnomAD v4.1: 5 of 1,613,916 alleles (0.00031%); highest among the groups gnomAD compares: Admixed American, 0.0083%; no homozygotes.

Submissions (2):

PreventionGenetics, part of Exact Sciences
Classification: Uncertain significance for NDRG1-related condition. Last evaluated: 2025-11-24. Review status: criteria provided, single submitter. Criteria: ACMG Guidelines, 2015. Collection method: clinical testing. Allele origin: germline.
Comment: The NDRG1 c.455A>C variant is predicted to result in the amino acid substitution p.Asn152Thr. To our knowledge, this variant has not been reported in the literature. This variant is reported in 0.014% of alleles in individuals of Latino descent in gnomAD. At this time, the clinical significance of this variant is uncertain due to the absence of conclusive functional and genetic evidence.

Labcorp Genetics (formerly Invitae), Labcorp
Classification: Uncertain significance for Charcot-Marie-Tooth disease type 4. Last evaluated: 2022-06-08. Review status: criteria provided, single submitter. Criteria: Invitae Variant Classification Sherloc (09022015). Collection method: clinical testing. Allele origin: germline.
Comment: This sequence change replaces asparagine, which is neutral and polar, with threonine, which is neutral and polar, at codon 152 of the NDRG1 protein (p.Asn152Thr). This variant is present in population databases (rs771095469, gnomAD 0.01%). This variant has not been reported in the literature in individuals affected with NDRG1-related conditions. Algorithms developed to predict the effect of missense changes on protein structure and function (SIFT, PolyPhen-2, Align-GVGD) all suggest that this variant is likely to be tolerated. In summary, the available evidence is currently insufficient to determine the role of this variant in disease. Therefore, it has been classified as a Variant of Uncertain Significance.